The following is an entry in ClinVar:

NM_006218.4(PIK3CA):c.1600A>G (p.Ile534Val)

Gene: PIK3CA (phosphatidylinositol-4,5-bisphosphate 3-kinase catalytic subunit alpha; plus strand). Cytogenetic location: 3q26.32.
Variant type: single nucleotide variant.
Coding change: c.1600A>G on transcript NM_006218.4 (MANE Select); coding-DNA position 1600, A replaced by G.
Protein change: p.Ile534Val; replaces isoleucine 534 with valine.
Molecular consequence: missense variant.
Genome position (GRCh38, 1-based): chr3:179,218,270, A>G. VCF-style: chr3-179218270-A-G. GRCh37 (hg19) VCF-style: chr3-178936058-A-G.
Other names: short protein forms I534V.
Identifiers: ClinVar variation 1776169 (VCV001776169.2), dbSNP rs1466575763, ClinGen allele CA355264901.
Genomic context (GRCh38, chr3:179,218,270, plus strand): 5'-AGTAACAGACTAGCTAGAGACAATGAATTAAGGGAAAATGACAAAGAACAGCTCAAAGCA[A>G]TTTCTACACGAGATCCTCTCTCTGAAATCACTGAGCAGGAGAAAGATTTTCTATGGAGTC-3'
Protein context (NP_006209.2, residues 524-544): RENDKEQLKA[Ile534Val]STRDPLSEIT

ClinVar aggregate classification (germline): Uncertain significance (1 of 4 stars; one submission).

Conditions:
Inborn genetic diseases. Identifiers: MedGen C0950123, MeSH D030342.

Allele frequency attached by ClinVar (database versions not stated): gnomAD exomes below 0.00001; TOPMed below 0.00001.
gnomAD v4.1: 1 of 1,611,534 alleles (0.000062%); highest among the groups gnomAD compares: East Asian, 0.0022%; no homozygotes.

Submission:

Ambry Genetics
Classification: Uncertain significance for Inborn genetic diseases. Last evaluated: 2021-11-06. Review status: criteria provided, single submitter. Criteria: Ambry Variant Classification Scheme 2023. Collection method: clinical testing. Allele origin: germline.
Comment: The p.I534V variant (also known as c.1600A>G), located in coding exon 9 of the PIK3CA gene, results from an A to G substitution at nucleotide position 1600. The isoleucine at codon 534 is replaced by valine, an amino acid with highly similar properties. This amino acid position is conserved. In addition, this alteration is predicted to be tolerated by in silico analysis. Since supporting evidence is limited at this time, the clinical significance of this alteration remains unclear.